The following is an entry in ClinVar:

ClinVar aggregate classification (germline): Uncertain significance. Review status: criteria provided, multiple submitters, no conflicts (2 of 4 stars). 2 submissions from 2 submitters: Uncertain significance (2). Last evaluated 2025-09-30.

Conditions:
RPGRIP1-related disorder. Also called: RPGRIP1-related condition.
Cone-rod dystrophy 13 (CORD13). Identifiers: Orphanet 1872, MedGen C2750720, MONDO:0011987, OMIM 608194.
Leber congenital amaurosis 6 (LCA6). Identifiers: Orphanet 65, MedGen C1854260, MONDO:0013446, OMIM 613826.

Allele frequency attached by ClinVar (database versions not stated): ExAC 0.00001; gnomAD exomes 0.00001.
gnomAD v4.1: 4 of 1,614,018 alleles (0.00025%); highest among the groups gnomAD compares: Admixed American, 0.0067%; no homozygotes.

Submissions (2):

PreventionGenetics, part of Exact Sciences
Classification: Uncertain significance for RPGRIP1-related condition. Last evaluated: 2025-09-30. Review status: criteria provided, single submitter. Criteria: ACMG Guidelines, 2015. Collection method: clinical testing. Allele origin: germline.
Comment: The RPGRIP1 c.2054A>G variant is predicted to result in the amino acid substitution p.Glu685Gly. To our knowledge, this variant has not been reported in the literature. This variant is present in 0.0087% of alleles in individuals of Latino descent in gnomAD. At this time, the clinical significance of this variant is uncertain due to the absence of conclusive functional and genetic evidence.

Labcorp Genetics (formerly Invitae), Labcorp
Classification: Uncertain significance for Leber congenital amaurosis 6; Cone-rod dystrophy 13. Last evaluated: 2022-03-12. Review status: criteria provided, single submitter. Criteria: Invitae Variant Classification Sherloc (09022015). Collection method: clinical testing. Allele origin: germline.
Comment: This sequence change replaces glutamic acid, which is acidic and polar, with glycine, which is neutral and non-polar, at codon 685 of the RPGRIP1 protein (p.Glu685Gly). This variant is present in population databases (rs758603764, gnomAD 0.006%). This variant has not been reported in the literature in individuals affected with RPGRIP1-related conditions. Algorithms developed to predict the effect of missense changes on protein structure and function are either unavailable or do not agree on the potential impact of this missense change (SIFT: "Tolerated"; PolyPhen-2: "Probably Damaging"; Align-GVGD: "Class C0"). In summary, the available evidence is currently insufficient to determine the role of this variant in disease. Therefore, it has been classified as a Variant of Uncertain Significance.

NM_020366.4(RPGRIP1):c.2054A>G (p.Glu685Gly)

Gene: RPGRIP1 (RPGR interacting protein 1; plus strand). Cytogenetic location: 14q11.2.
Variant type: single nucleotide variant.
Coding change: c.2054A>G on transcript NM_020366.4 (MANE Select); coding-DNA position 2054, A replaced by G.
Protein change: p.Glu685Gly; replaces glutamic acid 685 with glycine.
Molecular consequence: missense variant. On other transcripts: intron variant (4).
Genome position (GRCh38, 1-based): chr14:21,324,909, A>G. VCF-style: chr14-21324909-A-G. GRCh37 (hg19) VCF-style: chr14-21793068-A-G.
Other names: c.980A>G, p.Glu327Gly (NM_001377948.1); c.796+184A>G (NM_001377949.1); c.689-2714A>G (NM_001377523.1, NM_001377950.1); c.191-2714A>G (NM_001377951.1); c.2054A>G (NM_020366.3); short protein forms E327G, E685G.
Identifiers: ClinVar variation 2110440 (VCV002110440.2), dbSNP rs758603764, ClinGen allele CA7089143.